The following is an entry in ClinVar:

ClinVar aggregate classification (germline): Likely pathogenic (1 of 4 stars; one submission).

Conditions:
Pitt-Hopkins-like syndrome 2 (PTHSL2). Identifiers: Orphanet 221150, Orphanet 600663, MedGen C3280479, MONDO:0013690, OMIM 614325.

Submission:

Labcorp Genetics (formerly Invitae), Labcorp
Classification: Likely pathogenic for Pitt-Hopkins-like syndrome 2. Last evaluated: 2022-04-20. Review status: criteria provided, single submitter. Criteria: Invitae Variant Classification Sherloc (09022015). Collection method: clinical testing. Allele origin: germline.
Comment: This variant results in a copy number gain of the genomic region encompassing exon(s) 7-9 of the NRXN1 gene. While the exact position of this variant cannot be determined from the data, sub-genic copy number gains are generally in tandem (PMID: 25640679). This variant is predicted to be out-of-frame, and may result in an absent or disrupted protein product. Loss-of-function variants in NRXN1 are known to be pathogenic (PMID: 19896112, 21964664, 23495017, 23533028, 25149956, 30031152). This variant has not been reported in the literature in individuals affected with NRXN1-related conditions. In summary, the currently available evidence indicates that the variant is pathogenic, but additional data are needed to prove that conclusively. Therefore, this variant has been classified as Likely Pathogenic.

Literature cited by the submitters: PubMed 25640679; PubMed 19896112; PubMed 21964664; PubMed 23495017; PubMed 23533028; PubMed 25149956; PubMed 30031152.

NC_000002.11:g.(?_50847140)_(50850773_?)dup

Gene: NRXN1 (neurexin 1; minus strand). Cytogenetic location: 2p16.3.
Variant type: Duplication.
Identifiers: ClinVar variation 2423814 (VCV002423814.3).